The following is an entry in ClinVar:

NM_001164508.2(NEB):c.25130G>A (p.Arg8377Gln)

Genes: NEB (nebulin; minus strand), RIF1 (replication timing regulatory factor 1; plus strand). Cytogenetic location: 2q23.3.
Variant type: single nucleotide variant.
Coding change: c.25130G>A on transcript NM_001164508.2 (MANE Select); coding-DNA position 25130, G replaced by A.
Protein change: p.Arg8377Gln; replaces arginine 8377 with glutamine.
Molecular consequence: missense variant.
Genome position (GRCh38, 1-based): chr2:151,491,703, C>T on the plus strand (G>A on the coding strand, the complement: NEB is on the minus strand). VCF-style: chr2-151491703-C-T. GRCh37 (hg19) VCF-style: chr2-152348217-C-T.
Other names: c.25130G>A, p.Arg8377Gln (NM_001164507.2); c.25235G>A, p.Arg8412Gln (NM_001271208.2); c.19562G>A, p.Arg6521Gln (NM_004543.5); short protein forms R8412Q, R6521Q, R8377Q.
Identifiers: ClinVar variation 567791 (VCV000567791.11), dbSNP rs369174368, ClinGen allele CA57661349.
Genomic context (GRCh38, chr2:151,491,703, plus strand): 5'-TGGTGATGTTTATGTTGTAAGCCTTTTTCAGCTAACACACCATTAATCATGTGTAAGCTT[C>T]GGGACTGGATGTTGTCTTCTGCTGGATCATAGTCAAAAACCGAACCAGGATTAGTACGCC-3'
Protein context (NP_001157980.2, residues 8367-8387): YDPAEDNIQS[Arg8377Gln]SLHMINVQAQ

ClinVar aggregate classification (germline): Conflicting classifications of pathogenicity. Review status: criteria provided, conflicting classifications (1 of 4 stars). 3 submissions from 3 submitters: Uncertain significance (1); Likely benign (1). 1 of the submissions does not count toward it. Last evaluated 2025-07-28.

Conditions:
NEB-related disorder. Also called: NEB-Related Disorders; NEB-related condition.
Nemaline myopathy 2 (NEM2). Also called: Nemaline myopathy 2, autosomal recessive. Identifiers: MedGen C1850569, MONDO:0009725, OMIM 256030.

Allele frequency attached by ClinVar (database versions not stated): TOPMed 0.00002; gnomAD 0.00004 and 0.00005; ESP Exome Variant Server 0.00017.
gnomAD v4.1: 10 of 1,595,884 alleles (0.00063%); highest among the groups gnomAD compares: African/African-American, 0.0094%; no homozygotes.

Submissions (3):

PreventionGenetics, part of Exact Sciences
Classification: Uncertain significance for NEB-related condition. Last evaluated: 2025-07-28. Review status: criteria provided, single submitter. Criteria: ACMG Guidelines, 2015. Collection method: clinical testing. Allele origin: germline.
Comment: The NEB c.25235G>A variant is predicted to result in the amino acid substitution p.Arg8412Gln. To our knowledge, this variant has not been reported in the literature. This variant is reported in 0.0045% of alleles in individuals of African descent in gnomAD. At this time, the clinical significance of this variant is uncertain due to the absence of conclusive functional and genetic evidence.

Labcorp Genetics (formerly Invitae), Labcorp
Classification: Likely benign for Nemaline myopathy 2. Last evaluated: 2024-02-09. Review status: criteria provided, single submitter. Criteria: Invitae Variant Classification Sherloc (09022015). Collection method: clinical testing. Allele origin: germline.

Natera, Inc.
Classification: Uncertain significance for Nemaline myopathy type 2. Last evaluated: 2020-09-14. Review status: no assertion criteria provided. Collection method: clinical testing. Allele origin: germline. Not counted in ClinVar's aggregate classification.